The following is an entry in ClinVar:

NM_015046.7(SETX):c.3277T>G (p.Trp1093Gly)

Gene: SETX (senataxin; minus strand). Cytogenetic location: 9q34.13.
Variant type: single nucleotide variant.
Coding change: c.3277T>G on transcript NM_015046.7 (MANE Select); coding-DNA position 3277, T replaced by G.
Protein change: p.Trp1093Gly; replaces tryptophan 1093 with glycine.
Molecular consequence: missense variant.
Genome position (GRCh38, 1-based): chr9:132,328,321, A>C on the plus strand (T>G on the coding strand, the complement: SETX is on the minus strand). VCF-style: chr9-132328321-A-C. GRCh37 (hg19) VCF-style: chr9-135203708-A-C.
Other names: c.3277T>G, p.Trp1093Gly (NM_001351527.2, NM_001351528.2); short protein forms W1093G.
Identifiers: ClinVar variation 3762258 (VCV003762258.2).

ClinVar aggregate classification (germline): Uncertain significance (1 of 4 stars; one submission).

Conditions:
Spinocerebellar ataxia, autosomal recessive, with axonal neuropathy 2 (SCAN2). Also called: Ataxia-ocular apraxia-2; ATAXIA-OCULOMOTOR APRAXIA 2; Ataxia with Oculomotor Apraxia; Ataxia with Oculomotor Apraxia Type 2. Identifiers: Orphanet 64753, MedGen C1853761, MONDO:0018996, OMIM 606002.
Amyotrophic lateral sclerosis type 4 (ALS4). Also called: AMYOTROPHIC LATERAL SCLEROSIS 4, JUVENILE; NEURONOPATHY, DISTAL HEREDITARY MOTOR, WITH PYRAMIDAL FEATURES. Identifiers: Orphanet 357043, MedGen C1865409, MONDO:0011223, OMIM 602433.

gnomAD v4.1: 7 of 1,614,052 alleles (0.00043%); highest among the groups gnomAD compares: Non-Finnish European, 0.00059%; no homozygotes.

Submission:

Labcorp Genetics (formerly Invitae), Labcorp
Classification: Uncertain significance for Amyotrophic lateral sclerosis type 4; Spinocerebellar ataxia, autosomal recessive, with axonal neuropathy 2. Last evaluated: 2025-01-26. Review status: criteria provided, single submitter. Criteria: Invitae Variant Classification Sherloc (09022015). Collection method: clinical testing. Allele origin: germline.
Comment: This sequence change replaces tryptophan, which is neutral and slightly polar, with glycine, which is neutral and non-polar, at codon 1093 of the SETX protein (p.Trp1093Gly). This variant is not present in population databases (gnomAD no frequency). This variant has not been reported in the literature in individuals affected with SETX-related conditions. Invitae Evidence Modeling of protein sequence and biophysical properties (such as structural, functional, and spatial information, amino acid conservation, physicochemical variation, residue mobility, and thermodynamic stability) has been performed for this missense variant. However, the output from this modeling did not meet the statistical confidence thresholds required to predict the impact of this variant on SETX protein function. In summary, the available evidence is currently insufficient to determine the role of this variant in disease. Therefore, it has been classified as a Variant of Uncertain Significance.